The following is an entry in ClinVar:

ClinVar aggregate classification (germline): Uncertain significance (1 of 4 stars; one submission).

Submission:

ISCA site 4
Classification: Uncertain significance. Last evaluated: 2011-08-12. Review status: criteria provided, single submitter. Criteria: Kaminsky et al. (Genet Med. 2011). Collection method: clinical testing. Allele origin: paternal. Affected: yes. Observed: 1 variant allele.
Comment: Copy number variation identified through the course of routine clinical cytogenomic testing in postnatal populations. Clinical assertions have been curated as described in Kaminsky et al. 2011.

GRCh38/hg38 Xp22.31(chrX:7917055-8588267)x3

Genes: ANOS1 (anosmin 1; minus strand), LINC03113 (long independently transcribed non-coding RNA 3113; minus strand), MIR651 (microRNA 651; plus strand), PNPLA4 (patatin like domain 4, phospholipase and triacylglycerol lipase; minus strand), VCX2 (variable charge X-linked 2; minus strand) and 11 more. Cytogenetic location: Xp22.31.
Variant type: copy number gain.
Change: copy number 3 of chrX:7,917,055-8,588,267 (671.2 kb, GRCh38 coordinates, 1-based), cytogenetic band Xp22.31.
Identifiers: ClinVar variation 57363 (VCV000057363.1).